The following is an entry in ClinVar:

NM_001103.4(ACTN2):c.2520del (p.Asp841fs)

Gene: ACTN2 (actinin alpha 2; plus strand). Cytogenetic location: 1q43.
Variant type: Deletion.
Coding change: c.2520del on transcript NM_001103.4 (MANE Select); coding-DNA position 2520, one base deleted (T; older notation c.2520delT).
Protein change: p.Asp841fs; shifts the reading frame from aspartic acid 841.
Molecular consequence: frameshift variant.
Genome position (GRCh38, 1-based): chr1:236,761,167, T deleted. VCF-style (leftmost placement, unchanged base first): chr1-236761166-CT-C. GRCh37 (hg19) VCF-style: chr1-236924466-CT-C.
Other names: NM_001103.4(ACTN2):c.2520del; p.Asp841fs; c.2520del, p.Asp841fs (NM_001278343.2); c.1896del, p.Asp633fs (NM_001278344.2); short protein forms D633fs, D841fs.
Identifiers: ClinVar variation 201652 (VCV000201652.8), dbSNP rs794728969, ClinGen allele CA335053.

ClinVar aggregate classification (germline): Uncertain significance. Review status: criteria provided, multiple submitters, no conflicts (2 of 4 stars). 2 submissions from 2 submitters: Uncertain significance (2). Last evaluated 2026-03-05.

Conditions:
Myopathy, distal, 6, adult-onset, autosomal dominant. Identifiers: MedGen C5203349, MONDO:0032853, OMIM 618655.

Submissions (2):

Broad Center for Mendelian Genomics, Broad Institute of MIT and Harvard
Classification: Uncertain significance for Myopathy, distal, 6, adult-onset, autosomal dominant. Last evaluated: 2026-03-05. Review status: criteria provided, single submitter. Criteria: ACMG Guidelines, 2015. Collection method: research. Allele origin: germline. Study: GREGoR Consortium.
Comment: The p.Asp84111efsX60 variant in ACTN2 has been reported in one individual in a dilated cardiomyopathy cohort (Zimmerman 2010 PMID: 20474083), and was absent from large population studies (PM2_supporting). This variant is also present in his father with a history of ptosis, cardiomyopathy, and skeletal muscle involvement as well as his sister who is reported to have isolated cardiomyopathy. This variant has also been reported in ClinVar (Variation ID 201652). This variant is predicted to cause a protein-extending frameshift, which alters the protein's amino acid sequence beginning at position 841 and leads to a termination codon 60 amino acids downstream (PVSl_strong). This new termination codon occurs beyond the normal termination codon and is, therefore, likely to escape nonsense mediated decay (NMD) and result in an elongated protein. However, identification of other affected individuals with variants in this region suggest that this region is critical for protein function. In summary, while there is some suspicion for a pathogenic role, the clinical significance of this variant is uncertain. ACMG/ AMP Criteria applied: PVSl_strong, PM2_supporting.

GeneDx
Classification: Uncertain significance. Last evaluated: 2017-12-13. Review status: criteria provided, single submitter. Criteria: GeneDx Variant Classification (06012015). Collection method: clinical testing. Allele origin: germline. Affected: yes.
Comment: The c.2520delT variant in the ACTN2 gene has been reported in one individual from a DCM cohort (Zimmerman R et al., 2010). This variant causes a shift in the reading frame starting at codon Aspartic acid 841, changing it to an Isoleucine, and extends the protein by shifting the stop codon downstream to position 60 of the new reading frame, denoted p.Asp841IlefsX60. However, other frameshift mutations in the ACTN2 gene have not been reported in association with DCM. Data from control individuals were not available to assess whether c.2520delT may be a common benign variant in the general population. With the clinical and molecular information available at this time, we cannot definitively determine if c.2520delT is a disease-causing mutation or a rare benign variant.